The following is an entry in ClinVar:

ClinVar aggregate classification (germline): Conflicting classifications of pathogenicity. Review status: criteria provided, conflicting classifications (1 of 4 stars). 6 submissions from 6 submitters: Uncertain significance (1); Benign (1); Likely benign (4). Last evaluated 2025-08-04.

Conditions:
Ataxia-telangiectasia syndrome (AT). Also called: LOUIS-BAR SYNDROME; Ataxia telangiectasia (A-T); ATAXIA-TELANGIECTASIA, COMPLEMENTATION GROUP A; ATAXIA-TELANGIECTASIA, FRESNO VARIANT; Ataxia-telangiectasia; Ataxia-telangiectasia, complementation group D. Identifiers: Orphanet 100, MedGen C0004135, MONDO:0008840, OMIM 208900.
Hereditary cancer-predisposing syndrome. Also called: Neoplastic Syndromes, Hereditary; Tumor predisposition; Hereditary Cancer Syndrome; Hereditary neoplastic syndrome. Identifiers: Orphanet 140162, MedGen C0027672, MeSH D009386, MONDO:0015356.
Familial cancer of breast. Also called: BREAST CANCER, FAMILIAL; hereditary breast carcinoma; Hereditary breast cancer. Identifiers: Orphanet 227535, MedGen C0346153, MONDO:0016419, OMIM 114480. Disease mechanism: loss of function.

Allele frequency attached by ClinVar (database versions not stated): gnomAD exomes below 0.00001; ExAC 0.00001.

Submissions (6):

Labcorp Genetics (formerly Invitae), Labcorp
Classification: Likely benign for Ataxia-telangiectasia syndrome. Last evaluated: 2025-08-04. Review status: criteria provided, single submitter. Criteria: Invitae Variant Classification Sherloc (09022015). Collection method: clinical testing. Allele origin: germline.

Myriad Genetics, Inc.
Classification: Benign for Familial cancer of breast. Last evaluated: 2024-04-22. Review status: criteria provided, single submitter. Criteria: Myriad Autosomal Dominant, Autosomal Recessive and X-Linked Classification Criteria (2023). Collection method: clinical testing. Allele origin: unknown.
Comment: This variant is considered benign. This variant is a silent/synonymous amino acid change and it is not expected to impact splicing.

Sema4
Classification: Likely benign for Hereditary cancer-predisposing syndrome. Last evaluated: 2022-02-17. Review status: criteria provided, single submitter. Criteria: Sema4 Curation Guidelines. Collection method: curation. Allele origin: germline.

Color Diagnostics, LLC DBA Color Health
Classification: Likely benign for Hereditary cancer-predisposing syndrome. Last evaluated: 2019-10-24. Review status: criteria provided, single submitter. Criteria: ACMG Guidelines, 2015. Collection method: clinical testing. Allele origin: germline.

Ambry Genetics
Classification: Likely benign for Hereditary cancer-predisposing syndrome. Last evaluated: 2019-07-22. Review status: criteria provided, single submitter. Criteria: Ambry Variant Classification Scheme 2023. Collection method: clinical testing. Allele origin: germline.

Blueprint Genetics
Classification: Uncertain significance. Last evaluated: 2018-01-17. Review status: criteria provided, single submitter. Criteria: ACMG Guidelines, 2015. Collection method: clinical testing. Allele origin: germline.

NM_000051.4(ATM):c.705T>C (p.Ala235=)

Gene: ATM (ATM serine/threonine kinase; plus strand). Cytogenetic location: 11q22.3.
Variant type: single nucleotide variant.
Coding change: c.705T>C on transcript NM_000051.4 (MANE Select); coding-DNA position 705, T replaced by C.
Protein change: p.Ala235=; no amino-acid change (alanine 235 retained).
Molecular consequence: synonymous variant.
Genome position (GRCh38, 1-based): chr11:108,244,830, T>C. VCF-style: chr11-108244830-T-C. GRCh37 (hg19) VCF-style: chr11-108115557-T-C.
Other names: c.705T>C, p.Ala235= (NM_001351834.2).
Identifiers: ClinVar variation 826806 (VCV000826806.18), dbSNP rs756175724, ClinGen allele CA6264671.